The following is an entry in ClinVar:

ClinVar aggregate classification (germline): Uncertain significance. Review status: criteria provided, multiple submitters, no conflicts (2 of 4 stars). 4 submissions from 4 submitters: Uncertain significance (4). Last evaluated 2025-01-08.

Conditions:
Inborn genetic diseases. Identifiers: MedGen C0950123, MeSH D030342.

Allele frequency attached by ClinVar (database versions not stated): 1000 Genomes Project 30x 0.00031; gnomAD exomes 0.00039 and 0.00027; ESP Exome Variant Server 0.00008; 1000 Genomes Project 0.00020; gnomAD 0.00020 and 0.00021; TOPMed 0.00025; ExAC 0.00027.
gnomAD v4.1: 577 of 1,581,230 alleles (0.036%); highest among the groups gnomAD compares: Admixed American, 0.043%; no homozygotes.

Submissions (4):

Labcorp Genetics (formerly Invitae), Labcorp
Classification: Uncertain significance. Last evaluated: 2025-01-08. Review status: criteria provided, single submitter. Criteria: Invitae Variant Classification Sherloc (09022015). Collection method: clinical testing. Allele origin: germline.
Comment: This sequence change replaces glutamine, which is neutral and polar, with glutamic acid, which is acidic and polar, at codon 33 of the KIAA0753 protein (p.Gln33Glu). This variant is present in population databases (rs185682091, gnomAD 0.04%). This variant has not been reported in the literature in individuals affected with KIAA0753-related conditions. ClinVar contains an entry for this variant (Variation ID: 1422559). An algorithm developed to predict the effect of missense changes on protein structure and function (PolyPhen-2) suggests that this variant is likely to be disruptive. In summary, the available evidence is currently insufficient to determine the role of this variant in disease. Therefore, it has been classified as a Variant of Uncertain Significance.

Blueprint Genetics
Classification: Uncertain significance. Last evaluated: 2024-11-27. Review status: criteria provided, single submitter. Criteria: ACMG Guidelines, 2015. Collection method: clinical testing. Allele origin: germline.

Ambry Genetics
Classification: Uncertain significance for Inborn genetic diseases. Last evaluated: 2021-06-30. Review status: criteria provided, single submitter. Criteria: Ambry Variant Classification Scheme 2023. Collection method: clinical testing. Allele origin: germline.

Breakthrough Genomics
Classification: Uncertain significance. Review status: criteria provided, single submitter. Criteria: ACMG Guidelines, 2015. Collection method: not provided. Allele origin: germline. Inheritance: Autosomal recessive inheritance. Affected: yes.

NM_014804.3(KIAA0753):c.97C>G (p.Gln33Glu)

Gene: KIAA0753 (KIAA0753; minus strand). Cytogenetic location: 17p13.1.
Variant type: single nucleotide variant.
Coding change: c.97C>G on transcript NM_014804.3 (MANE Select); coding-DNA position 97, C replaced by G.
Protein change: p.Gln33Glu; replaces glutamine 33 with glutamic acid.
Molecular consequence: missense variant. On other transcripts: 5 prime UTR variant (1), non-coding transcript variant (3).
Genome position (GRCh38, 1-based): chr17:6,628,738, G>C on the plus strand (C>G on the coding strand, the complement: KIAA0753 is on the minus strand). VCF-style: chr17-6628738-G-C. GRCh37 (hg19) VCF-style: chr17-6532058-G-C.
Other names: c.97C>G (NM_014804.2); c.-1138C>G (NM_001351225.2); short protein forms Q33E.
Identifiers: ClinVar variation 1422559 (VCV001422559.7), dbSNP rs185682091, ClinGen allele CA8330839.